The following is an entry in ClinVar:

ClinVar aggregate classification (germline): Likely pathogenic. Review status: criteria provided, multiple submitters, no conflicts (2 of 4 stars). 4 submissions from 4 submitters: Likely pathogenic (3). 1 of the submissions does not count toward it. Last evaluated 2024-12-04.

Conditions:
Maple syrup urine disease type 1B (MSUD1B). Also called: MSUD type IB; MSUD type 3 (formerly); MSUD due to deficiency of e1-beta subunit of branched-chain alpha-keto acid dehydrogenase complex. Identifiers: MedGen C2930990, MONDO:0023692, OMIM 620698.
Maple syrup urine disease (MSUD). Identifiers: Orphanet 511, MedGen C0024776, MeSH D008375, MONDO:0009563. Disease mechanism: loss of function.

Allele frequency attached by ClinVar (database versions not stated): gnomAD exomes below 0.00001; ExAC 0.00001.
gnomAD v4.1: 4 of 1,614,078 alleles (0.00025%); highest among the groups gnomAD compares: East Asian, 0.0067%; no homozygotes.

Submissions (4):

Natera, Inc.
Classification: Likely pathogenic for Maple syrup urine disease type 1B. Last evaluated: 2024-12-04. Review status: criteria provided, single submitter. Criteria: Natera Variant Classification Schema (03/2026). Collection method: clinical testing. Allele origin: germline.
Comment: The c.616C>T variant in BCKDHB is a missense variant predicted to cause substitution of histidine to tyrosine at amino acid 206. This variant is rare in the general population with a frequency below the threshold expected for the associated phenotype(s). This variant has been observed in one or more individuals affected with the associated recessive disease, as either homozygous or compound heterozygous with a second variant (PMID: 14742428). Functional studies show that this variant may disrupt protein function (PMID: 14742428). A different variant at the same position has been determined to be Pathogenic or Likely Pathogenic. Computational prediction algorithms indicate this variant is likely to affect gene or protein function. Given the available evidence, this variant is classified as Likely Pathogenic.

Women's Health and Genetics/Laboratory Corporation of America, LabCorp
Classification: Likely pathogenic for Maple syrup urine disease. Last evaluated: 2024-09-10. Review status: criteria provided, single submitter. Criteria: LabCorp Variant Classification Summary - May 2015. Collection method: clinical testing. Allele origin: germline.
Comment: Variant summary: BCKDHB c.616C>T (p.His206Tyr) results in a conservative amino acid change located in the Transketolase-like, pyrimidine-binding domain of the encoded protein sequence. Four of five in-silico tools predict a damaging effect of the variant on protein function. The variant allele was found at a frequency of 4e-06 in 251284 control chromosomes. c.616C>T has been reported in the literature in at-least one individual affected with Maple Syrup Urine Disease (example:Chuang_2004). These data indicate that the variant may be associated with disease. At least one publication reports experimental evidence that this variant (listed as H156Y) was poorly expressed and does not produce BCKD activity in the presence of normal E2 and E3 (example:Chuang_2004). The following publication has been ascertained in the context of this evaluation (PMID: 14742428). ClinVar contains an entry for this variant (Variation ID: 11938). Based on the evidence outlined above, the variant was classified as likely pathogenic.

Baylor Genetics
Classification: Likely pathogenic for Maple syrup urine disease type 1A. Last evaluated: 2022-12-20. Review status: criteria provided, single submitter. Criteria: ACMG Guidelines, 2015. Collection method: clinical testing. Allele origin: unknown.

OMIM
Classification: Pathogenic for MAPLE SYRUP URINE DISEASE, TYPE IB. Last evaluated: 2004-04-23. Review status: no assertion criteria provided. Collection method: literature only. Allele origin: germline. Not counted in ClinVar's aggregate classification.

Literature cited by the submitters: PubMed 14742428 (cited by 3 submitters).

NM_183050.4(BCKDHB):c.616C>T (p.His206Tyr)

Gene: BCKDHB (branched chain keto acid dehydrogenase E1 subunit beta; plus strand). Cytogenetic location: 6q14.1.
Variant type: single nucleotide variant.
Coding change: c.616C>T on transcript NM_183050.4 (MANE Select); coding-DNA position 616, C replaced by T.
Protein change: p.His206Tyr; replaces histidine 206 with tyrosine.
Molecular consequence: missense variant. On other transcripts: non-coding transcript variant (1).
Genome position (GRCh38, 1-based): chr6:80,169,013, C>T. VCF-style: chr6-80169013-C-T. GRCh37 (hg19) VCF-style: chr6-80878730-C-T.
Other names: H156Y; c.616C>T, p.His206Tyr (NM_000056.5); c.406C>T, p.His136Tyr (NM_001318975.1); c.616C>T (NM_183050.3); short protein forms H206Y, H136Y.
Identifiers: ClinVar variation 11938 (VCV000011938.6), dbSNP rs121965004, ClinGen allele CA121791.